The following is an entry in ClinVar:

ClinVar aggregate classification (germline): Benign/Likely benign. Review status: criteria provided, multiple submitters, no conflicts (2 of 4 stars). 10 submissions from 10 submitters: Benign (4); Likely benign (4). 2 of the submissions do not count toward it. Last evaluated 2026-02-02.

Conditions:
Inborn genetic diseases. Identifiers: MedGen C0950123, MeSH D030342.
ETV6-related disorder. Also called: ETV6-related condition.

Allele frequency attached by ClinVar (database versions not stated): 1000 Genomes Project 30x 0.00312; 1000 Genomes Project 0.00319; TOPMed 0.00482; gnomAD 0.00488 and 0.00501; ESP Exome Variant Server 0.00492; gnomAD exomes 0.00494 and 0.00739; ExAC 0.00498.
gnomAD v4.1: 11,428 of 1,613,942 alleles (0.71%); highest among the groups gnomAD compares: Non-Finnish European, 0.88%; 50 homozygotes.

Submissions (10):

Labcorp Genetics (formerly Invitae), Labcorp
Classification: Benign. Last evaluated: 2026-02-02. Review status: criteria provided, single submitter. Criteria: Invitae Variant Classification Sherloc (09022015). Collection method: clinical testing. Allele origin: germline.

CeGaT Center for Human Genetics Tuebingen
Classification: Likely benign. Last evaluated: 2026-02-01. Review status: criteria provided, single submitter. Criteria: CeGaT Center For Human Genetics Tuebingen Variant Classification Criteria Version 2. Collection method: clinical testing. Allele origin: germline. Affected: yes. Observed: 6 variant alleles.
Comment: ETV6: BS2

Mayo Clinic Laboratories, Mayo Clinic
Classification: Likely benign. Last evaluated: 2025-09-29. Review status: criteria provided, single submitter. Criteria: ACMG Guidelines, 2015. Collection method: clinical testing. Allele origin: germline. Observed: 12 variant alleles.
Comment: BS1, BS2, BP4, PM1_supporting

Ambry Genetics
Classification: Benign for Inborn genetic diseases. Last evaluated: 2024-12-03. Review status: criteria provided, single submitter. Criteria: Ambry Variant Classification Scheme 2023. Collection method: clinical testing. Allele origin: germline.

Blueprint Genetics
Classification: Benign. Last evaluated: 2024-11-21. Review status: criteria provided, single submitter. Criteria: ACMG Guidelines, 2015. Collection method: clinical testing. Allele origin: germline.

GeneDx
Classification: Likely benign. Last evaluated: 2022-06-06. Review status: criteria provided, single submitter. Criteria: GeneDx Variant Classification Process June 2021. Collection method: clinical testing. Allele origin: germline. Affected: yes.
Comment: See Variant Classification Assertion Criteria.

Genetic Services Laboratory, University of Chicago
Classification: Benign. Last evaluated: 2016-11-22. Review status: criteria provided, single submitter. Criteria: ACMG Guidelines, 2015. Collection method: clinical testing. Allele origin: germline. Affected: no.

Breakthrough Genomics
Classification: Likely benign. Review status: criteria provided, single submitter. Criteria: ACMG Guidelines, 2015. Collection method: not provided. Allele origin: germline. Inheritance: Autosomal dominant inheritance. Affected: yes.

PreventionGenetics, part of Exact Sciences
Classification: Likely benign for ETV6-related condition. Last evaluated: 2024-06-05. Review status: no assertion criteria provided. Collection method: clinical testing. Allele origin: germline. Not counted in ClinVar's aggregate classification.
Comment: This variant is classified as likely benign based on ACMG/AMP sequence variant interpretation guidelines (Richards et al. 2015 PMID: 25741868, with internal and published modifications).

Department of Pathology and Laboratory Medicine, Sinai Health System
Classification: Uncertain significance. Review status: no assertion criteria provided. Collection method: clinical testing. Allele origin: unknown. Affected: yes. Study: The Canadian Open Genetics Repository (COGR). Not counted in ClinVar's aggregate classification.
Comment: The ETV6 p.Leu201Pro variant was not identified in the literature nor was it identified in Cosmic or LOVD 3.0. The variant was identified in dbSNP (ID: rs145477191) and ClinVar (classified as benign by Genetic Services Laboratory, University of Chicago). The variant was also identified in control databases in 1409 of 282794 chromosomes (6 homozygous) at a frequency of 0.004982 increasing the likelihood this could be a low frequency benign variant (Genome Aggregation Database Feb 27, 2017). The variant was observed in the following populations: European (non-Finnish) in 1077 of 129130 chromosomes (freq: 0.00834), Other in 36 of 7224 chromosomes (freq: 0.004983), Latino in 163 of 35438 chromosomes (freq: 0.0046), African in 43 of 24960 chromosomes (freq: 0.001723), European (Finnish) in 40 of 25112 chromosomes (freq: 0.001593), South Asian in 41 of 30616 chromosomes (freq: 0.001339) and Ashkenazi Jewish in 9 of 10368 chromosomes (freq: 0.000868), while the variant was not observed in the East Asian population. The p.Leu201 residue is not conserved in mammals and computational analyses (PolyPhen-2, SIFT, AlignGVGD, BLOSUM, MutationTaster) provide inconsistent predictions regarding the impact to the protein; this information is not very predictive of pathogenicity. The variant occurs outside of the splicing consensus sequence and in silico or computational prediction software programs (SpliceSiteFinder, MaxEntScan, NNSPLICE, GeneSplicer) do not predict a difference in splicing. In summary, based on the above information the clinical significance of this variant cannot be determined with certainty at this time. This variant is classified as a variant of uncertain significance.

NM_001987.5(ETV6):c.602T>C (p.Leu201Pro)

Gene: ETV6 (ETS variant transcription factor 6; plus strand). Cytogenetic location: 12p13.2.
Variant type: single nucleotide variant.
Coding change: c.602T>C on transcript NM_001987.5 (MANE Select); coding-DNA position 602, T replaced by C.
Protein change: p.Leu201Pro; replaces leucine 201 with proline.
Molecular consequence: missense variant.
Genome position (GRCh38, 1-based): chr12:11,869,562, T>C. VCF-style: chr12-11869562-T-C. GRCh37 (hg19) VCF-style: chr12-12022496-T-C.
Other names: p.Leu201Pro; short protein forms L201P.
Identifiers: ClinVar variation 435097 (VCV000435097.45), dbSNP rs145477191, ClinGen allele CA6454295.